The following is an entry in ClinVar:

NM_000179.3(MSH6):c.43C>T (p.Pro15Ser)

Gene: MSH6 (mutS homolog 6; plus strand). Cytogenetic location: 2p16.3.
Variant type: single nucleotide variant.
Coding change: c.43C>T on transcript NM_000179.3 (MANE Select); coding-DNA position 43, C replaced by T.
Protein change: p.Pro15Ser; replaces proline 15 with serine.
Molecular consequence: missense variant. On other transcripts: 5 prime UTR variant (1).
Genome position (GRCh38, 1-based): chr2:47,783,276, C>T. VCF-style: chr2-47783276-C-T. GRCh37 (hg19) VCF-style: chr2-48010415-C-T.
Other names: c.43C>T, p.Pro15Ser (NM_001281492.2); c.-694C>T (NM_001281493.2); short protein forms P15S.
Identifiers: ClinVar variation 184992 (VCV000184992.22), dbSNP rs776745497, ClinGen allele CA015522.
Genomic context (GRCh38, chr2:47,783,276, plus strand): 5'-GCCTTGCCGGCTGTCGGTATGTCGCGACAGAGCACCCTGTACAGCTTCTTCCCCAAGTCT[C>T]CGGCGCTGAGTGATGCCAACAAGGCCTCGGCCAGGGCCTCACGCGAAGGCGGCCGTGCCG-3'
Protein context (NP_000170.1, residues 5-25): STLYSFFPKS[Pro15Ser]ALSDANKASA

ClinVar aggregate classification (germline): Conflicting classifications of pathogenicity. Review status: criteria provided, conflicting classifications (1 of 4 stars). 6 submissions from 6 submitters: Uncertain significance (5); Benign (1). Last evaluated 2025-12-14.

Conditions:
Hereditary nonpolyposis colorectal neoplasms. Identifiers: MedGen C0009405, MeSH D003123.
Hereditary cancer-predisposing syndrome. Also called: Hereditary neoplastic syndrome; Neoplastic Syndromes, Hereditary; Tumor predisposition; Hereditary Cancer Syndrome. Identifiers: Orphanet 140162, MedGen C0027672, MeSH D009386, MONDO:0015356.
Lynch syndrome. Identifiers: Orphanet 144, MedGen C4552100, MONDO:0005835. Disease mechanism: loss of function.
Endometrial carcinoma. Also called: Endometrial carcinoma, somatic. Identifiers: MedGen C0476089, MONDO:0002447, OMIM 608089, HP:0012114.

Allele frequency attached by ClinVar (database versions not stated): gnomAD below 0.00001 and 0.00001; ExAC 0.00002; gnomAD exomes 0.00002.
gnomAD v4.1: 18 of 1,612,128 alleles (0.0011%); highest among the groups gnomAD compares: South Asian, 0.013%; no homozygotes.

Submissions (6):

Labcorp Genetics (formerly Invitae), Labcorp
Classification: Benign for Hereditary nonpolyposis colorectal neoplasms. Last evaluated: 2025-12-14. Review status: criteria provided, single submitter. Criteria: Invitae Variant Classification Sherloc (09022015). Collection method: clinical testing. Allele origin: germline.

All of Us Research Program, National Institutes of Health
Classification: Uncertain significance for Lynch syndrome. Last evaluated: 2024-09-23. Review status: criteria provided, single submitter. Criteria: ACMG Guidelines, 2015. Collection method: clinical testing. Allele origin: germline. Inheritance: Autosomal dominant inheritance. Observed: 1 variant allele, 1 heterozygote.
Comment: This missense variant replaces proline with serine at codon 15 of the MSH6 protein. Computational prediction suggests that this variant may not impact protein structure and function (internally defined REVEL score threshold <= 0.5, PMID: 27666373). To our knowledge, functional studies have not been reported for this variant. This variant has been reported in an individual affected with colorectal cancer (PMID: 28944238). This variant has been identified in 6/244720 chromosomes in the general population by the Genome Aggregation Database (gnomAD). The available evidence is insufficient to determine the role of this variant in disease conclusively. Therefore, this variant is classified as a Variant of Uncertain Significance.

This study involves interpretation of variants in research participants for the purpose of population health screening. Participant phenotype was not available at the time of variant classification. Additional details can be found in publication PMID: 35346344, PMCID: PMC8962531

Color Diagnostics, LLC DBA Color Health
Classification: Uncertain significance for Hereditary cancer-predisposing syndrome. Last evaluated: 2024-08-06. Review status: criteria provided, single submitter. Criteria: ACMG Guidelines, 2015. Collection method: clinical testing. Allele origin: germline.
Comment: This missense variant replaces proline with serine at codon 15 of the MSH6 protein. Computational prediction suggests that this variant may not impact protein structure and function (internally defined REVEL score threshold <= 0.5, PMID: 27666373). To our knowledge, functional studies have not been reported for this variant. This variant has been reported in an individual affected with early-onset colorectal cancer (PMID: 28944238). This variant has been identified in 6/244720 chromosomes in the general population by the Genome Aggregation Database (gnomAD). The available evidence is insufficient to determine the role of this variant in disease conclusively. Therefore, this variant is classified as a Variant of Uncertain Significance.

Ambry Genetics
Classification: Uncertain significance for Hereditary cancer-predisposing syndrome. Last evaluated: 2024-02-14. Review status: criteria provided, single submitter. Criteria: Ambry Variant Classification Scheme 2023. Collection method: clinical testing. Allele origin: germline.
Comment: The p.P15S variant (also known as c.43C>T), located in coding exon 1 of the MSH6 gene, results from a C to T substitution at nucleotide position 43. The proline at codon 15 is replaced by serine, an amino acid with similar properties. In one study, this alteration was identified in 1/1231 individuals diagnosed with colorectal cancer, who had targeted sequencing of thirty-six known or putative colorectal cancer susceptibility genes (DeRycke MS et al. Mol Genet Genomic Med. 2017 Sep;5:553-569). This alteration has also been identified in multiple individuals diagnosed with breast cancer (Wang J et al. Cancer Med, 2019 May;8:2074-2084; Hu L et al. NPJ Breast Cancer, 2022 Apr;8:52). This amino acid position is well conserved in available vertebrate species. In addition, the in silico prediction for this alteration is inconclusive. Based on the available evidence, the clinical significance of this alteration remains unclear.

Baylor Genetics
Classification: Uncertain significance for Endometrial carcinoma. Last evaluated: 2023-08-03. Review status: criteria provided, single submitter. Criteria: ACMG Guidelines, 2015. Collection method: clinical testing. Allele origin: unknown.

GeneDx
Classification: Uncertain significance. Last evaluated: 2021-11-29. Review status: criteria provided, single submitter. Criteria: GeneDx Variant Classification Process June 2021. Collection method: clinical testing. Allele origin: germline. Affected: yes.
Comment: In silico analysis supports that this missense variant has a deleterious effect on protein structure/function; Observed in an individual with early onset colorectal cancer (DeRycke 2017); This variant is associated with the following publications: (PMID: 22949387, 28944238, 25980754, 22703879)

Literature cited by the submitters: PubMed 28944238 (cited by 3 submitters); PubMed 30982232 (cited by Ambry Genetics); PubMed 35449176 (cited by Ambry Genetics).